The following is an entry in ClinVar:

ClinVar aggregate classification (germline): Uncertain significance (1 of 4 stars; one submission).

gnomAD v4.1: 1 of 1,613,376 alleles (0.000062%); highest among the groups gnomAD compares: Non-Finnish European, 0.000085%; no homozygotes.

Submission:

GeneDx
Classification: Uncertain significance. Last evaluated: 2025-05-14. Review status: criteria provided, single submitter. Criteria: GeneDx Variant Classification Process June 2021. Collection method: clinical testing. Allele origin: germline. Affected: yes.
Comment: Not observed at significant frequency in large population cohorts (gnomAD); In silico analysis supports that this missense variant has a deleterious effect on protein structure/function; Has not been previously published as pathogenic or benign to our knowledge

NM_001127222.2(CACNA1A):c.5372T>C (p.Val1791Ala)

Gene: CACNA1A (calcium voltage-gated channel subunit alpha1 A; minus strand). Cytogenetic location: 19p13.13.
Variant type: single nucleotide variant.
Coding change: c.5372T>C on transcript NM_001127222.2 (MANE Select); coding-DNA position 5372, T replaced by C.
Protein change: p.Val1791Ala; replaces valine 1791 with alanine.
Molecular consequence: missense variant.
Genome position (GRCh38, 1-based): chr19:13,231,738, A>G on the plus strand (T>C on the coding strand, the complement: CACNA1A is on the minus strand). VCF-style: chr19-13231738-A-G. GRCh37 (hg19) VCF-style: chr19-13342552-A-G.
Other names: c.5390T>C, p.Val1797Ala (NM_000068.4, NM_023035.3); c.5375T>C, p.Val1792Ala (NM_001127221.2); c.5381T>C, p.Val1794Ala (NM_001174080.2); short protein forms V1791A, V1792A, V1794A, V1797A.
Identifiers: ClinVar variation 4529530 (VCV004529530.1).
Genomic context (GRCh38, chr19:13,231,738, plus strand): 5'-CCAGACGGCCCTCACAGTGTCCACAGACTCACCAGAAACGAGCAGAGGAAGATGAAGGAA[A>G]CAAAGTAAAAATAAGCAAATTCATTGCCACACTCTCGAGTCAGGATGCCAGAGTTCTTAT-3'
Protein context (NP_001120694.1, residues 1781-1801): CGNEFAYFYF[Val1791Ala]SFIFLCSFLM